The following is an entry in ClinVar:

ClinVar aggregate classification (germline): Uncertain significance (1 of 4 stars; one submission).

Conditions:
Developmental and epileptic encephalopathy, 1 (DEE1). Also called: OHTAHARA SYNDROME, X-LINKED; INFANTILE SPASM SYNDROME, X-LINKED 1; Epileptic encephalopathy, early infantile, 1; X-linked infantile spasms; West's syndrome; Tonic spasms with clustering, arrest of psychomotor development and hypsarrhythmia on EEG. Identifiers: MedGen C3463992, MONDO:0010632, OMIM 308350. Disease mechanism: loss of function.
Intellectual disability, X-linked, with or without seizures, ARX-related. Also called: INTELLECTUAL DEVELOPMENTAL DISORDER, X-LINKED 29; MENTAL RETARDATION, X-LINKED 29; MENTAL RETARDATION, X-LINKED 32; MENTAL RETARDATION, X-LINKED 33; MENTAL RETARDATION, X-LINKED 38; MENTAL RETARDATION, X-LINKED 43. Identifiers: Orphanet 777, MedGen C0796244, MONDO:0010317, OMIM 300419.

Submission:

Labcorp Genetics (formerly Invitae), Labcorp
Classification: Uncertain significance for Developmental and epileptic encephalopathy, 1; Intellectual disability, X-linked, with or without seizures, ARX-related. Last evaluated: 2023-04-24. Review status: criteria provided, single submitter. Criteria: Invitae Variant Classification Sherloc (09022015). Collection method: clinical testing. Allele origin: germline.
Comment: ClinVar contains an entry for this variant (Variation ID: 565771). In summary, the available evidence is currently insufficient to determine the role of this variant in disease. Therefore, it has been classified as a Variant of Uncertain Significance. Experimental studies and prediction algorithms are not available or were not evaluated, and the functional significance of this variant is currently unknown. This variant has not been reported in the literature in individuals affected with ARX-related conditions. The frequency data for this variant in the population databases is considered unreliable, as metrics indicate insufficient coverage at this position in the gnomAD database. This sequence change replaces leucine, which is neutral and non-polar, with phenylalanine, which is neutral and non-polar, at codon 159 of the ARX protein (p.Leu159Phe).

NM_139058.3(ARX):c.474_475delinsAT (p.Leu159Phe)

Gene: ARX (aristaless related homeobox; minus strand). Cytogenetic location: Xp21.3.
Variant type: Indel.
Coding change: c.474_475delinsAT on transcript NM_139058.3 (MANE Select); coding-DNA positions 474 to 475, GC replaced by AT.
Protein change: p.Leu159Phe; replaces leucine 159 with phenylalanine.
Molecular consequence: missense variant.
Genome position (GRCh38, 1-based): chrX:25,013,520-25,013,521, GC replaced by AT on the plus strand (GC replaced by AT on the coding strand, the reverse complement: ARX is on the minus strand). VCF-style: chrX-25013520-GC-AT. GRCh37 (hg19) VCF-style: chrX-25031637-GC-AT.
Other names: short protein forms L159F.
Identifiers: ClinVar variation 565771 (VCV000565771.9), dbSNP rs1569395505, ClinGen allele CA891843650.